The following is an entry in ClinVar:

ClinVar aggregate classification (germline): Pathogenic/Likely pathogenic. Review status: criteria provided, multiple submitters, no conflicts (2 of 4 stars). 3 submissions from 3 submitters: Pathogenic (1); Likely pathogenic (2). Last evaluated 2022-07-14.

Conditions:
MOGS-related disorder. Also called: MOGS-related condition.
MOGS-congenital disorder of glycosylation. Also called: CDG IIb; GLUCOSIDASE I DEFICIENCY; MOGS-CDG; CDG 2B. Identifiers: Orphanet 79330, MedGen C1853736, MONDO:0011629, OMIM 606056.

Allele frequency attached by ClinVar (database versions not stated): ExAC 0.00001; gnomAD exomes 0.00001; TOPMed 0.00001; gnomAD 0.00002.

Submissions (3):

Blueprint Genetics
Classification: Likely pathogenic for MOGS-related disorders. Last evaluated: 2022-07-14. Review status: criteria provided, single submitter. Criteria: ACMG Guidelines, 2015. Collection method: clinical testing. Allele origin: germline. Affected: yes. Observed: 1 variant allele.

Labcorp Genetics (formerly Invitae), Labcorp
Classification: Pathogenic for MOGS-congenital disorder of glycosylation. Last evaluated: 2021-11-28. Review status: criteria provided, single submitter. Criteria: Invitae Variant Classification Sherloc (09022015). Collection method: clinical testing. Allele origin: germline.
Comment: This sequence change creates a premature translational stop signal (p.Val216Serfs*12) in the MOGS gene. It is expected to result in an absent or disrupted protein product. Loss-of-function variants in MOGS are known to be pathogenic (PMID: 24716661, 26805780). This variant is present in population databases (rs777654978, gnomAD 0.007%). This variant has not been reported in the literature in individuals affected with MOGS-related conditions. ClinVar contains an entry for this variant (Variation ID: 565387). For these reasons, this variant has been classified as Pathogenic.

Revvity Omics, Revvity
Classification: Likely pathogenic for MOGS-congenital disorder of glycosylation. Last evaluated: 2021-09-16. Review status: criteria provided, single submitter. Criteria: ACMG Guidelines, 2015. Collection method: clinical testing. Allele origin: germline.

Literature cited by the submitters: PubMed 24716661 (cited by Labcorp Genetics (formerly Invitae), Labcorp); PubMed 26805780 (cited by Labcorp Genetics (formerly Invitae), Labcorp).

NM_006302.3(MOGS):c.646del (p.Val216fs)

Gene: MOGS (mannosyl-oligosaccharide glucosidase; minus strand). Cytogenetic location: 2p13.1.
Variant type: Deletion.
Coding change: c.646del on transcript NM_006302.3 (MANE Select); coding-DNA position 646, one base deleted (G; older notation c.646delG).
Protein change: p.Val216fs; shifts the reading frame from valine 216.
Molecular consequence: frameshift variant.
Genome position (GRCh38, 1-based): chr2:74,463,320, C deleted on the plus strand (G on the coding strand, the reverse complement: MOGS is on the minus strand). VCF-style (leftmost placement, unchanged base first): chr2-74463319-AC-A. GRCh37 (hg19) VCF-style: chr2-74690446-AC-A.
Other names: c.646del, p.Val216fs (LRG_1226t1); c.328del, p.Val110fs (NM_001146158.2); short protein forms V110fs, V216fs.
Identifiers: ClinVar variation 565387 (VCV000565387.13), dbSNP rs777654978, ClinGen allele CA1724965.
Genomic context (GRCh38, chr2:74,463,319, plus strand): 5'-TCACTGGTGTGCCCACTGATAAACTTCAACTGCCCCTTGGCCCCAACCTCTGGTAGTAGG[AC>A]TTCCTTGCCATCTGTCACCACATAGAAGAACAGGGAGACCAAAGGGAGGGCAGAAGTACC-3'